The following is an entry in ClinVar:

ClinVar aggregate classification (germline): Uncertain significance (1 of 4 stars; one submission).

Conditions:
EGFR-related lung cancer (EGFR). Identifiers: MedGen CN130014.

gnomAD v4.1: 1 of 1,614,078 alleles (0.000062%); no homozygotes.

Submission:

Labcorp Genetics (formerly Invitae), Labcorp
Classification: Uncertain significance for EGFR-related lung cancer. Last evaluated: 2021-03-29. Review status: criteria provided, single submitter. Criteria: Invitae Variant Classification Sherloc (09022015). Collection method: clinical testing. Allele origin: germline.
Comment: In summary, the available evidence is currently insufficient to determine the role of this variant in disease. Therefore, it has been classified as a Variant of Uncertain Significance. Nucleotide substitutions within the consensus splice site are a relatively common cause of aberrant splicing (PMID: 17576681, 9536098). Algorithms developed to predict the effect of sequence changes on RNA splicing suggest that this variant is not likely to affect RNA splicing, but this prediction has not been confirmed by published transcriptional studies. This variant has not been reported in the literature in individuals with EGFR-related conditions. This variant is not present in population databases (ExAC no frequency). This sequence change falls in intron 3 of the EGFR gene. It does not directly change the encoded amino acid sequence of the EGFR protein. It affects a nucleotide within the consensus splice site of the intron.

Literature cited by the submitters: PubMed 17576681; PubMed 9536098.

NM_005228.5(EGFR):c.425-3C>T

Gene: EGFR (epidermal growth factor receptor; plus strand). Cytogenetic location: 7p11.2.
Variant type: single nucleotide variant.
Coding change: c.425-3C>T on transcript NM_005228.5 (MANE Select); 3 bases into the intron before coding-DNA position 425, C replaced by T.
Molecular consequence: intron variant.
Genome position (GRCh38, 1-based): chr7:55,146,603, C>T. VCF-style: chr7-55146603-C-T. GRCh37 (hg19) VCF-style: chr7-55214296-C-T.
Other names: c.424+3115C>T (NM_001346899.2, NM_001346897.2); c.89-9227C>T (NM_001346941.2); c.425-3C>T (NM_001346898.2, NM_201284.2, NM_201282.2 and 1 more transcripts); c.266-3C>T (NM_001346900.2).
Identifiers: ClinVar variation 1436121 (VCV001436121.6), dbSNP rs2128929391, ClinGen allele CA2573142236.